The following is an entry in ClinVar:

ClinVar aggregate classification (germline): Pathogenic/Likely pathogenic. Review status: criteria provided, multiple submitters, no conflicts (2 of 4 stars). 6 submissions from 6 submitters: Pathogenic (2); Likely pathogenic (4). Last evaluated 2026-06-01.

Conditions:
Leber congenital amaurosis (LCA). Also called: Leber's amaurosis. Identifiers: Orphanet 65, MedGen C0339527, MeSH D057130, MONDO:0018998.
Leber congenital amaurosis 15 (LCA15). Identifiers: Orphanet 65, MedGen C3151206, MONDO:0013457, OMIM 613843.
Retinitis pigmentosa 14 (RP14). Also called: RETINITIS PIGMENTOSA, JUVENILE, TULP1-RELATED. Identifiers: Orphanet 791, MedGen C1838603, MONDO:0010827, OMIM 600132.
TULP1-related disorder. Also called: TULP1-related disorders; TULP1-related condition.

Allele frequency attached by ClinVar (database versions not stated): gnomAD 0.00002; gnomAD exomes 0.00002.
gnomAD v4.1: 26 of 1,613,570 alleles (0.0016%); highest among the groups gnomAD compares: African/African-American, 0.0053%; no homozygotes.

Submissions (6):

Women's Health and Genetics/Laboratory Corporation of America, LabCorp
Classification: Likely pathogenic for Leber congenital amaurosis. Last evaluated: 2026-06-01. Review status: criteria provided, single submitter. Criteria: LabCorp Variant Classification Summary - May 2015. Collection method: clinical testing. Allele origin: germline.
Comment: Variant summary: TULP1 c.932G>A (p.Arg311Gln) results in a conservative amino acid change in the encoded protein sequence. Algorithms developed to predict the effect of missense changes on protein structure and function are either unavailable or do not agree on the potential impact of this missense change. The variant allele was found at a frequency of 2e-05 in 250642 control chromosomes. c.932G>A has been observed in individuals affected with TULP1-related Retinitis pigmentosa (Hebrard_2011, Stone_2017). These data indicate that the variant may be associated with disease. A different variant affecting the same codon has been classified as likely pathogenic/pathogenic by our lab (c.931C>T, p.Arg311Trp), supporting the critical relevance of codon 311 to TULP1 protein function. To our knowledge, no experimental evidence demonstrating an impact on protein function has been reported. The following publications have been ascertained in the context of this evaluation (PMID: 21792230, 28559085, 34906470). ClinVar contains an entry for this variant (Variation ID: 1065758). Based on the evidence outlined above, the variant was classified as likely pathogenic.

Labcorp Genetics (formerly Invitae), Labcorp
Classification: Pathogenic. Last evaluated: 2025-07-22. Review status: criteria provided, single submitter. Criteria: Invitae Variant Classification Sherloc (09022015). Collection method: clinical testing. Allele origin: germline.
Comment: This sequence change replaces arginine, which is basic and polar, with glutamine, which is neutral and polar, at codon 311 of the TULP1 protein (p.Arg311Gln). This variant is present in population databases (no rsID available, gnomAD 0.004%). This missense change has been observed in individuals with retinitis pigmentosa (PMID: 21792230, 28559085). It has also been observed to segregate with disease in related individuals. ClinVar contains an entry for this variant (Variation ID: 1065758). Invitae Evidence Modeling of protein sequence and biophysical properties (such as structural, functional, and spatial information, amino acid conservation, physicochemical variation, residue mobility, and thermodynamic stability) indicates that this missense variant is expected to disrupt TULP1 protein function with a positive predictive value of 95%. This variant disrupts the p.Arg311 amino acid residue in TULP1. Other variant(s) that disrupt this residue have been observed in individuals with TULP1-related conditions (PMID: 26856745; internal data), which suggests that this may be a clinically significant amino acid residue. For these reasons, this variant has been classified as Pathogenic.

Fulgent Genetics
Classification: Likely pathogenic for Retinitis pigmentosa 14; Leber congenital amaurosis 15. Last evaluated: 2024-06-16. Review status: criteria provided, single submitter. Criteria: ACMG Guidelines, 2015. Collection method: clinical testing. Allele origin: germline.

Blueprint Genetics
Classification: Pathogenic for TULP1-related disorders. Last evaluated: 2024-01-08. Review status: criteria provided, single submitter. Criteria: ACMG Guidelines, 2015. Collection method: clinical testing. Allele origin: germline. Affected: yes. Observed: 3 variant alleles.

PreventionGenetics, part of Exact Sciences
Classification: Likely pathogenic for TULP1-related condition. Last evaluated: 2022-08-26. Review status: criteria provided, single submitter. Criteria: ACMG Guidelines, 2015. Collection method: clinical testing. Allele origin: germline.
Comment: The TULP1 c.932G>A variant is predicted to result in the amino acid substitution p.Arg311Gln. This variant was reported in the compound heterozygous state with a second rare TULP1 variant (c.1025G>A, p.Arg342Gln) in two siblings with retinitis pigmentosa. The variant was shown to segregate with disease in the reported family (Hebrard et al. 2011. PubMed ID: 21792230). This variant has also been reported with a second likely pathogenic TULP1 variant (c.1496-6C>A) in an individual with retinitis pigmentosa (Stone et al. 2017. PubMed ID: 28559085). An alternate substitution impacting the same amino acid (p.Arg311Trp) has been reported in individuals with retinal disease (e.g., Tajiguli et al. 2016. PubMed ID: 26856745). This variant is reported in 0.0044% of alleles in individuals of European (Non-Finnish) descent in gnomAD. Taken together, this variant is interpreted as likely pathogenic.

Ocular Genomics Institute, Massachusetts Eye and Ear
Classification: Likely pathogenic for Retinitis pigmentosa 14. Last evaluated: 2021-04-08. Review status: criteria provided, single submitter. Criteria: ACMG Guidelines, 2015. Collection method: research. Allele origin: germline. Affected: yes.
Comment: Through a review of available evidence we were able to apply the following criteria: PP1-M, PM2, PM3. Based on this evidence we have classified this variant as Likely Pathogenic.

Literature cited by the submitters: PubMed 28559085 (cited by Women's Health and Genetics/Laboratory Corporation of America, LabCorp and Labcorp Genetics (formerly Invitae), Labcorp); PubMed 34906470 (cited by Women's Health and Genetics/Laboratory Corporation of America, LabCorp); PubMed 21792230 (cited by 3 submitters); PubMed 26856745 (cited by Labcorp Genetics (formerly Invitae), Labcorp).

NM_003322.6(TULP1):c.932G>A (p.Arg311Gln)

Gene: TULP1 (TUB like protein 1; minus strand). Cytogenetic location: 6p21.31.
Variant type: single nucleotide variant.
Coding change: c.932G>A on transcript NM_003322.6 (MANE Select); coding-DNA position 932, G replaced by A.
Protein change: p.Arg311Gln; replaces arginine 311 with glutamine.
Molecular consequence: missense variant.
Genome position (GRCh38, 1-based): chr6:35,506,070, C>T on the plus strand (G>A on the coding strand, the complement: TULP1 is on the minus strand). VCF-style: chr6-35506070-C-T. GRCh37 (hg19) VCF-style: chr6-35473847-C-T.
Other names: c.773G>A, p.Arg258Gln (NM_001289395.2); c.932G>A (NM_003322.5); short protein forms R258Q, R311Q.
Identifiers: ClinVar variation 1065758 (VCV001065758.9), dbSNP rs1279906432, ClinGen allele CA363780228.